The following is an entry in ClinVar:

NM_000052.7(ATP7A):c.1681G>A (p.Glu561Lys)

Gene: ATP7A (ATPase copper transporting alpha; plus strand). Cytogenetic location: Xq21.1.
Variant type: single nucleotide variant.
Coding change: c.1681G>A on transcript NM_000052.7 (MANE Select); coding-DNA position 1681, G replaced by A.
Protein change: p.Glu561Lys; replaces glutamic acid 561 with lysine.
Molecular consequence: missense variant.
Genome position (GRCh38, 1-based): chrX:78,003,210, G>A. VCF-style: chrX-78003210-G-A. GRCh37 (hg19) VCF-style: chrX-77258707-G-A.
Other names: c.1681G>A, p.Glu561Lys (NM_001282224.2); short protein forms E561K.
Identifiers: ClinVar variation 2949236 (VCV002949236.3), dbSNP rs2077752247, ClinGen allele CA413595469.

ClinVar aggregate classification (germline): Uncertain significance (1 of 4 stars; one submission).

Conditions:
Menkes kinky-hair syndrome (MNK). Also called: Classic Menkes Disease; Copper transport disease; Menkes Disease. Identifiers: Orphanet 565, MedGen C0022716, MONDO:0010651, OMIM 309400.
Cutis laxa, X-linked (OHS). Also called: EDS IX; Occipital horn syndrome. Identifiers: Orphanet 198, MedGen C0268353, MONDO:0010572, OMIM 304150.
X-linked distal spinal muscular atrophy type 3. Also called: ATP7A-Related Distal Motor Neuropathy; SPINAL MUSCULAR ATROPHY, DISTAL, X-LINKED RECESSIVE; NEURONOPATHY, DISTAL HEREDITARY MOTOR, X-LINKED; NEUROPATHY, DISTAL HEREDITARY MOTOR, X-LINKED. Identifiers: Orphanet 139557, MedGen C1845359, MONDO:0010338, OMIM 300489.

Submission:

Labcorp Genetics (formerly Invitae), Labcorp
Classification: Uncertain significance for X-linked distal spinal muscular atrophy type 3; Cutis laxa, X-linked; Menkes kinky-hair syndrome. Last evaluated: 2023-06-25. Review status: criteria provided, single submitter. Criteria: Invitae Variant Classification Sherloc (09022015). Collection method: clinical testing. Allele origin: germline.
Comment: In summary, the available evidence is currently insufficient to determine the role of this variant in disease. Therefore, it has been classified as a Variant of Uncertain Significance. Advanced modeling of protein sequence and biophysical properties (such as structural, functional, and spatial information, amino acid conservation, physicochemical variation, residue mobility, and thermodynamic stability) performed at Invitae indicates that this missense variant is not expected to disrupt ATP7A protein function. This variant has not been reported in the literature in individuals affected with ATP7A-related conditions. This variant is not present in population databases (gnomAD no frequency). This sequence change replaces glutamic acid, which is acidic and polar, with lysine, which is basic and polar, at codon 561 of the ATP7A protein (p.Glu561Lys).